The following is an entry in ClinVar:

ClinVar aggregate classification (germline): Uncertain significance (1 of 4 stars; one submission).

Allele frequency attached by ClinVar (database versions not stated): gnomAD exomes below 0.00001.
gnomAD v4.1: 4 of 1,612,980 alleles (0.00025%); highest among the groups gnomAD compares: East Asian, 0.0022%; no homozygotes.

Submission:

Labcorp Genetics (formerly Invitae), Labcorp
Classification: Uncertain significance. Last evaluated: 2023-07-07. Review status: criteria provided, single submitter. Criteria: Invitae Variant Classification Sherloc (09022015). Collection method: clinical testing. Allele origin: germline.
Comment: This sequence change replaces arginine, which is basic and polar, with glutamine, which is neutral and polar, at codon 85 of the WNT3 protein (p.Arg85Gln). This variant is present in population databases (no rsID available, gnomAD 0.006%). This variant has not been reported in the literature in individuals affected with WNT3-related conditions. ClinVar contains an entry for this variant (Variation ID: 1354059). Advanced modeling of protein sequence and biophysical properties (such as structural, functional, and spatial information, amino acid conservation, physicochemical variation, residue mobility, and thermodynamic stability) performed at Invitae indicates that this missense variant is not expected to disrupt WNT3 protein function. In summary, the available evidence is currently insufficient to determine the role of this variant in disease. Therefore, it has been classified as a Variant of Uncertain Significance.

NM_030753.5(WNT3):c.254G>A (p.Arg85Gln)

Genes: LRRC37A2 (leucine rich repeat containing 37 member A2), WNT3 (Wnt family member 3; minus strand). Cytogenetic location: 17q21.31.
Variant type: single nucleotide variant.
Coding change: c.254G>A on transcript NM_030753.5 (MANE Select); coding-DNA position 254, G replaced by A.
Protein change: p.Arg85Gln; replaces arginine 85 with glutamine.
Molecular consequence: missense variant.
Genome position (GRCh38, 1-based): chr17:46,773,736, C>T on the plus strand (G>A on the coding strand, the complement: WNT3 is on the minus strand). VCF-style: chr17-46773736-C-T. GRCh37 (hg19) VCF-style: chr17-44851102-C-T.
Other names: short protein forms R85Q.
Identifiers: ClinVar variation 1354059 (VCV001354059.6), dbSNP rs1483494147, ClinGen allele CA400011293.
Genomic context (GRCh38, chr17:46,773,736, plus strand): 5'-AGGACGGGCCCAAAGATGGCCAGGCTGTCATCTATGGTGGTGCAGTTCCAGCGGCGGCCC[C>T]GGAACTGGTGCTGGCACTCCTGGATGCCCAGCTTCACGCCCTCGGCCACGCTGGGCATGA-3'
Protein context (NP_110380.1, residues 75-95): LGIQECQHQF[Arg85Gln]GRRWNCTTID